The following is an entry in ClinVar:

NM_024884.3(L2HGDH):c.632G>T (p.Gly211Val)

Gene: L2HGDH (L-2-hydroxyglutarate dehydrogenase; minus strand). Cytogenetic location: 14q21.3.
Variant type: single nucleotide variant.
Coding change: c.632G>T on transcript NM_024884.3 (MANE Select); coding-DNA position 632, G replaced by T.
Protein change: p.Gly211Val; replaces glycine 211 with valine.
Molecular consequence: missense variant.
Genome position (GRCh38, 1-based): chr14:50,283,942, C>A on the plus strand (G>T on the coding strand, the complement: L2HGDH is on the minus strand). VCF-style: chr14-50283942-C-A. GRCh37 (hg19) VCF-style: chr14-50750660-C-A.
Other names: short protein forms G211V.
Identifiers: ClinVar variation 2500191 (VCV002500191.2), dbSNP rs757615298, ClinGen allele CA7177952.

ClinVar aggregate classification (germline): Conflicting classifications of pathogenicity. Review status: criteria provided, conflicting classifications (1 of 4 stars). 2 submissions from 2 submitters: Likely pathogenic (1); Uncertain significance (1). Last evaluated 2024-10-25.

Conditions:
Inborn genetic diseases. Identifiers: MedGen C0950123, MeSH D030342.
L-2-hydroxyglutaric aciduria (L2HGA). Identifiers: Orphanet 79314, MedGen C1855995, MONDO:0009370, OMIM 236792, HP:0040144.

Allele frequency attached by ClinVar (database versions not stated): TOPMed below 0.00001; ExAC 0.00001.
gnomAD v4.1: 6 of 1,614,000 alleles (0.00037%); highest among the groups gnomAD compares: Admixed American, 0.0017%; no homozygotes.

Submissions (2):

Ambry Genetics
Classification: Likely pathogenic for Inborn genetic diseases. Last evaluated: 2024-10-25. Review status: criteria provided, single submitter. Criteria: Ambry Variant Classification Scheme 2023. Collection method: clinical testing. Allele origin: germline.
Comment: The c.632G>T (p.G211V) alteration is located in exon 5 (coding exon 5) of the L2HGDH gene. This alteration results from a G to T substitution at nucleotide position 632, causing the glycine (G) at amino acid position 211 to be replaced by a valine (V). Based on data from gnomAD, the T allele has an overall frequency of 0.001% (3/251382) total alleles studied. The highest observed frequency was 0.003% (1/34592) of Latino alleles. This alteration was detected in the homozygous state, and in conjunction with another alteration in L2HGDH, in multiple individuals with L-2-hydroxyglutaric aciduria (Zafeiriou, 2008; Vilarinho, 2010). This amino acid position is highly conserved in available vertebrate species. This alteration is predicted to be deleterious by in silico analysis. Based on the available evidence, this alteration is classified as likely pathogenic.

Neurometabolic Diseases Laboratory, Bellvitge Biomedical Research Institute (IDIBELL)
Classification: Uncertain significance for L-2-hydroxyglutaric aciduria. Last evaluated: 2023-04-27. Review status: criteria provided, single submitter. Criteria: ACMG Guidelines, 2015. Collection method: research. Allele origin: germline. Affected: yes.

Literature cited by the submitters: PubMed 17981416 (cited by Ambry Genetics); PubMed 19911013 (cited by Ambry Genetics).